The following is an entry in ClinVar:

ClinVar aggregate classification (germline): Uncertain significance. Review status: criteria provided, multiple submitters, no conflicts (2 of 4 stars). 2 submissions from 2 submitters: Uncertain significance (2). Last evaluated 2024-01-31.

Allele frequency attached by ClinVar (database versions not stated): TOPMed 0.00002.
gnomAD v4.1: 23 of 1,614,130 alleles (0.0014%); highest among the groups gnomAD compares: Admixed American, 0.012%; no homozygotes.

Submissions (2):

GeneDx
Classification: Uncertain significance. Last evaluated: 2024-01-31. Review status: criteria provided, single submitter. Criteria: GeneDx Variant Classification Process June 2021. Collection method: clinical testing. Allele origin: germline. Affected: yes.
Comment: Not observed at significant frequency in large population cohorts (gnomAD); In silico analysis supports that this missense variant does not alter protein structure/function; Has not been previously published as pathogenic or benign to our knowledge

Labcorp Genetics (formerly Invitae), Labcorp
Classification: Uncertain significance. Last evaluated: 2022-07-11. Review status: criteria provided, single submitter. Criteria: Invitae Variant Classification Sherloc (09022015). Collection method: clinical testing. Allele origin: germline.
Comment: This sequence change replaces isoleucine, which is neutral and non-polar, with threonine, which is neutral and polar, at codon 230 of the PDP1 protein (p.Ile230Thr). This variant is present in population databases (rs201467137, gnomAD 0.006%). This variant has not been reported in the literature in individuals affected with PDP1-related conditions. Algorithms developed to predict the effect of missense changes on protein structure and function output the following: SIFT: "Tolerated"; PolyPhen-2: "Not Available"; Align-GVGD: "Class C0". The threonine amino acid residue is found in multiple mammalian species, which suggests that this missense change does not adversely affect protein function. In summary, the available evidence is currently insufficient to determine the role of this variant in disease. Therefore, it has been classified as a Variant of Uncertain Significance.

NM_018444.4(PDP1):c.689T>C (p.Ile230Thr)

Gene: PDP1 (pyruvate dehydrogenase phosphatase catalytic subunit 1; plus strand). Cytogenetic location: 8q22.1.
Variant type: single nucleotide variant.
Coding change: c.689T>C on transcript NM_018444.4 (MANE Select); coding-DNA position 689, T replaced by C.
Protein change: p.Ile230Thr; replaces isoleucine 230 with threonine.
Molecular consequence: missense variant.
Genome position (GRCh38, 1-based): chr8:93,922,748, T>C. VCF-style: chr8-93922748-T-C. GRCh37 (hg19) VCF-style: chr8-94934976-T-C.
Other names: c.764T>C, p.Ile255Thr (NM_001161779.2, NM_001161780.2); c.689T>C, p.Ile230Thr (NM_001161781.2); c.689T>C (NM_018444.3); short protein forms I230T, I255T.
Identifiers: ClinVar variation 2198387 (VCV002198387.5), dbSNP rs201467137, ClinGen allele CA4808730.